The following is an entry in ClinVar:

NM_001099274.3(TINF2):c.613G>A (p.Val205Ile)

Gene: TINF2 (TERF1 interacting nuclear factor 2; minus strand). Cytogenetic location: 14q12.
Variant type: single nucleotide variant.
Coding change: c.613G>A on transcript NM_001099274.3 (MANE Select); coding-DNA position 613, G replaced by A.
Protein change: p.Val205Ile; replaces valine 205 with isoleucine.
Molecular consequence: missense variant.
Genome position (GRCh38, 1-based): chr14:24,240,867, C>T on the plus strand (G>A on the coding strand, the complement: TINF2 is on the minus strand). VCF-style: chr14-24240867-C-T. GRCh37 (hg19) VCF-style: chr14-24710073-C-T.
Other names: c.508G>A, p.Val170Ile (NM_001363668.2); c.613G>A, p.Val205Ile (NM_012461.3); short protein forms V170I, V205I.
Identifiers: ClinVar variation 4751349 (VCV004751349.1).

ClinVar aggregate classification (germline): Uncertain significance (1 of 4 stars; one submission).

Conditions:
Dyskeratosis congenita. Identifiers: Orphanet 1775, MedGen C0265965, MONDO:0015780.

Submission:

Labcorp Genetics (formerly Invitae), Labcorp
Classification: Uncertain significance for Dyskeratosis congenita. Last evaluated: 2025-12-31. Review status: criteria provided, single submitter. Criteria: Invitae Variant Classification Sherloc (09022015). Collection method: clinical testing. Allele origin: germline.
Comment: This sequence change replaces valine, which is neutral and non-polar, with isoleucine, which is neutral and non-polar, at codon 205 of the TINF2 protein (p.Val205Ile). This variant is not present in population databases (gnomAD no frequency). This variant has not been reported in the literature in individuals affected with TINF2-related conditions. An algorithm developed to predict the effect of missense changes on protein structure and function outputs the following: PolyPhen-2: "Benign". The isoleucine amino acid residue is found in multiple mammalian species, which suggests that this missense change does not adversely affect protein function. In summary, the available evidence is currently insufficient to determine the role of this variant in disease. Therefore, it has been classified as a Variant of Uncertain Significance.